The following is an entry in ClinVar:

NM_000512.5(GALNS):c.1009del (p.His337fs)

Gene: GALNS (galactosamine (N-acetyl)-6-sulfatase; minus strand). Cytogenetic location: 16q24.3.
Variant type: Deletion.
Coding change: c.1009del on transcript NM_000512.5 (MANE Select); coding-DNA position 1009, one base deleted (C; older notation c.1009delC).
Protein change: p.His337fs; shifts the reading frame from histidine 337.
Molecular consequence: frameshift variant.
Genome position (GRCh38, 1-based): chr16:88,826,832, G deleted on the plus strand (C on the coding strand, the reverse complement: GALNS is on the minus strand); the first of 2 consecutive G bases (chr16:88,826,832-88,826,833); deleting either gives the same sequence. VCF-style (leftmost placement, unchanged base first): chr16-88826831-TG-T. GRCh37 (hg19) VCF-style: chr16-88893239-TG-T.
Other names: c.454del, p.His152fs (NM_001323543.2); c.1027del, p.His343fs (NM_001323544.2); short protein forms H152fs, H337fs, H343fs.
Identifiers: ClinVar variation 1048434 (VCV001048434.3), dbSNP rs2142995881, ClinGen allele CA2499223750.

ClinVar aggregate classification (germline): Likely pathogenic (1 of 4 stars; one submission).

Conditions:
Mucopolysaccharidosis, MPS-IV-A (MPS4A). Also called: Mucopolysaccharidosis type IV A; Mucopolysaccharidosis Type IVA; Morquio syndrome A, mild; MORQUIO SYNDROME A; MPS IVA; mucopolysaccharidosis type 4A. Identifiers: Orphanet 309297, Orphanet 582, MedGen C0086651, MONDO:0009659, OMIM 253000.

Submission:

Laboratory of Diagnosis and Therapy of Lysosomal Disorders, University of Padova
Classification: Likely pathogenic for Mucopolysaccharidosis, MPS-IV-A. Last evaluated: 2021-02-01. Review status: criteria provided, single submitter. Criteria: ACMG Guidelines, 2015. Collection method: research. Allele origin: germline. Affected: yes.
Comment: Frameshift variant (PVS1_very strong); absent from gnomAD v2.1.1 (PM2_moderate)

Literature cited by the submitters: PubMed 34387910.